The following is an entry in ClinVar:

ClinVar aggregate classification (germline): Uncertain significance (1 of 4 stars; one submission).

Conditions:
CHARGE syndrome (CHARGE). Also called: Hittner Hirsch Kreh syndrome; CHARGE ASSOCIATION--COLOBOMA, HEART ANOMALY, CHOANAL ATRESIA, RETARDATION, GENITAL AND EAR ANOMALIES; Coloboma, heart anomaly, choanal atresia, retardation, genital and ear anomalies; CHARGE association; Hall-Hittner syndrome. Identifiers: Orphanet 138, MedGen C0265354, MONDO:0008965.

Submission:

Labcorp Genetics (formerly Invitae), Labcorp
Classification: Uncertain significance for CHARGE syndrome. Last evaluated: 2021-10-05. Review status: criteria provided, single submitter. Criteria: Invitae Variant Classification Sherloc (09022015). Collection method: clinical testing. Allele origin: germline.
Comment: Algorithms developed to predict the effect of missense changes on protein structure and function are either unavailable or do not agree on the potential impact of this missense change (SIFT: "Deleterious"; PolyPhen-2: "Probably Damaging"; Align-GVGD: "Class C0"). In summary, the available evidence is currently insufficient to determine the role of this variant in disease. Therefore, it has been classified as a Variant of Uncertain Significance. This variant has not been reported in the literature in individuals affected with SEMA3E-related conditions. This variant is not present in population databases (ExAC no frequency). This sequence change replaces valine with methionine at codon 281 of the SEMA3E protein (p.Val281Met). The valine residue is highly conserved and there is a small physicochemical difference between valine and methionine.

NM_012431.3(SEMA3E):c.841G>A (p.Val281Met)

Gene: SEMA3E (semaphorin 3E; minus strand). Cytogenetic location: 7q21.11.
Variant type: single nucleotide variant.
Coding change: c.841G>A on transcript NM_012431.3 (MANE Select); coding-DNA position 841, G replaced by A.
Protein change: p.Val281Met; replaces valine 281 with methionine.
Molecular consequence: missense variant.
Genome position (GRCh38, 1-based): chr7:83,406,032, C>T on the plus strand (G>A on the coding strand, the complement: SEMA3E is on the minus strand). VCF-style: chr7-83406032-C-T. GRCh37 (hg19) VCF-style: chr7-83035348-C-T.
Other names: c.661G>A, p.Val221Met (NM_001178129.2); short protein forms V221M, V281M.
Identifiers: ClinVar variation 1376164 (VCV001376164.6), dbSNP rs2115643274, ClinGen allele CA367930077.